The following is an entry in ClinVar:

ClinVar aggregate classification (germline): Uncertain significance. Review status: criteria provided, multiple submitters, no conflicts (2 of 4 stars). 2 submissions from 2 submitters: Uncertain significance (2). Last evaluated 2025-12-22.

Conditions:
Epileptic encephalopathy. Identifiers: MedGen C0543888, HP:0200134.

Allele frequency attached by ClinVar (database versions not stated): ExAC 0.00001; gnomAD exomes 0.00001; gnomAD 0.00004; TOPMed 0.00006.
gnomAD v4.1: 86 of 1,612,364 alleles (0.0053%); highest among the groups gnomAD compares: Non-Finnish European, 0.0069%; no homozygotes.

Submissions (2):

Labcorp Genetics (formerly Invitae), Labcorp
Classification: Uncertain significance for Epileptic encephalopathy. Last evaluated: 2025-12-22. Review status: criteria provided, single submitter. Criteria: Invitae Variant Classification Sherloc (09022015). Collection method: clinical testing. Allele origin: germline.
Comment: This sequence change replaces glutamine, which is neutral and polar, with lysine, which is basic and polar, at codon 1175 of the FASN protein (p.Gln1175Lys). This variant is present in population databases (rs765996191, gnomAD 0.004%). This variant has not been reported in the literature in individuals affected with FASN-related conditions. ClinVar contains an entry for this variant (Variation ID: 647435). An algorithm developed to predict the effect of missense changes on protein structure and function outputs the following: PolyPhen-2: "Benign". The lysine amino acid residue is found in multiple mammalian species, which suggests that this missense change does not adversely affect protein function. In summary, the available evidence is currently insufficient to determine the role of this variant in disease. Therefore, it has been classified as a Variant of Uncertain Significance.

Ambry Genetics
Classification: Uncertain significance. Last evaluated: 2023-11-21. Review status: criteria provided, single submitter. Criteria: Ambry Variant Classification Scheme 2023. Collection method: clinical testing. Allele origin: germline.

NM_004104.5(FASN):c.3523C>A (p.Gln1175Lys)

Gene: FASN (fatty acid synthase; minus strand). Cytogenetic location: 17q25.3.
Variant type: single nucleotide variant.
Coding change: c.3523C>A on transcript NM_004104.5 (MANE Select); coding-DNA position 3523, C replaced by A.
Protein change: p.Gln1175Lys; replaces glutamine 1175 with lysine.
Molecular consequence: missense variant.
Genome position (GRCh38, 1-based): chr17:82,086,463, G>T on the plus strand (C>A on the coding strand, the complement: FASN is on the minus strand). VCF-style: chr17-82086463-G-T. GRCh37 (hg19) VCF-style: chr17-80044339-G-T.
Other names: short protein forms Q1175K.
Identifiers: ClinVar variation 647435 (VCV000647435.9), dbSNP rs765996191, ClinGen allele CA8852346.